The following is an entry in ClinVar:

NM_021267.5(CERS1):c.572T>C (p.Val191Ala)

Genes: CERS1 (ceramide synthase 1; minus strand), GDF1 (growth differentiation factor 1; minus strand). Cytogenetic location: 19p13.11.
Variant type: single nucleotide variant.
Coding change: c.572T>C on transcript NM_021267.5 (MANE Select); coding-DNA position 572, T replaced by C.
Protein change: p.Val191Ala; replaces valine 191 with alanine.
Molecular consequence: missense variant. On other transcripts: 5 prime UTR variant (2).
Genome position (GRCh38, 1-based): chr19:18,884,105, A>G on the plus strand (T>C on the coding strand, the complement: CERS1 is on the minus strand). VCF-style: chr19-18884105-A-G. GRCh37 (hg19) VCF-style: chr19-18994914-A-G.
Other names: c.278T>C, p.Val93Ala (NM_001290265.2, NM_001387442.1, NM_001387443.1 and 2 more transcripts); c.572T>C, p.Val191Ala (NM_001387439.1, NM_001387440.1, NM_001387441.1 and 1 more transcripts); c.-331T>C (NM_001387438.1); c.-751T>C (NM_001492.6); short protein forms V191A, V93A.
Identifiers: ClinVar variation 1407630 (VCV001407630.7), dbSNP rs749102523, ClinGen allele CA9318224.

ClinVar aggregate classification (germline): Conflicting classifications of pathogenicity. Review status: criteria provided, conflicting classifications (1 of 4 stars). 2 submissions from 2 submitters: Uncertain significance (1); Likely benign (1). Last evaluated 2022-10-17.

Conditions:
Progressive myoclonic epilepsy type 8. Identifiers: Orphanet 424027, MedGen C5190825, MONDO:0014545, OMIM 616230.

Allele frequency attached by ClinVar (database versions not stated): TOPMed below 0.00001; gnomAD exomes 0.00002 and 0.00003; ExAC 0.00004.
gnomAD v4.1: 19 of 1,612,528 alleles (0.0012%); highest among the groups gnomAD compares: Middle Eastern, 0.033%; no homozygotes.

Submissions (2):

Labcorp Genetics (formerly Invitae), Labcorp
Classification: Uncertain significance for Progressive myoclonic epilepsy type 8. Last evaluated: 2022-10-17. Review status: criteria provided, single submitter. Criteria: Invitae Variant Classification Sherloc (09022015). Collection method: clinical testing. Allele origin: germline.
Comment: In summary, the available evidence is currently insufficient to determine the role of this variant in disease. Therefore, it has been classified as a Variant of Uncertain Significance. Advanced modeling of protein sequence and biophysical properties (such as structural, functional, and spatial information, amino acid conservation, physicochemical variation, residue mobility, and thermodynamic stability) performed at Invitae indicates that this missense variant is not expected to disrupt CERS1 protein function. ClinVar contains an entry for this variant (Variation ID: 1407630). This variant has not been reported in the literature in individuals affected with CERS1-related conditions. This variant is present in population databases (rs749102523, gnomAD 0.01%). This sequence change replaces valine, which is neutral and non-polar, with alanine, which is neutral and non-polar, at codon 191 of the CERS1 protein (p.Val191Ala).

Blueprint Genetics
Classification: Likely benign. Last evaluated: 2021-11-30. Review status: criteria provided, single submitter. Criteria: ACMG Guidelines, 2015. Collection method: clinical testing. Allele origin: germline.